The following is an entry in ClinVar:

NM_001130144.3(LTBP3):c.2979C>A (p.Asp993Glu)

Genes: LTBP3 (latent transforming growth factor beta binding protein 3; minus strand), LOC121832793 (Sharpr-MPRA regulatory region 4001; plus strand). Cytogenetic location: 11q13.1.
Variant type: single nucleotide variant.
Coding change: c.2979C>A on transcript NM_001130144.3 (MANE Select); coding-DNA position 2979, C replaced by A.
Protein change: p.Asp993Glu; replaces aspartic acid 993 with glutamic acid.
Molecular consequence: missense variant.
Genome position (GRCh38, 1-based): chr11:65,540,613, G>T on the plus strand (C>A on the coding strand, the complement: LTBP3 is on the minus strand). VCF-style: chr11-65540613-G-T. GRCh37 (hg19) VCF-style: chr11-65308084-G-T.
Other names: c.2628C>A, p.Asp876Glu (NM_001164266.1); c.2979C>A, p.Asp993Glu (NM_021070.4); short protein forms D876E, D993E.
Identifiers: ClinVar variation 2859291 (VCV002859291.3), dbSNP rs2496124564, ClinGen allele CA381267940.

ClinVar aggregate classification (germline): Uncertain significance (1 of 4 stars; one submission).

Conditions:
Brachyolmia-amelogenesis imperfecta syndrome. Also called: Tooth agenesis, selective, 6; Dental anomalies and short stature; PLATYSPONDYLY WITH AMELOGENESIS IMPERFECTA. Identifiers: Orphanet 2899, MedGen C1832594, MONDO:0011018, OMIM 601216. Disease mechanism: loss of function.

Submission:

Labcorp Genetics (formerly Invitae), Labcorp
Classification: Uncertain significance for Brachyolmia-amelogenesis imperfecta syndrome. Last evaluated: 2023-04-26. Review status: criteria provided, single submitter. Criteria: Invitae Variant Classification Sherloc (09022015). Collection method: clinical testing. Allele origin: germline.
Comment: This sequence change replaces aspartic acid, which is acidic and polar, with glutamic acid, which is acidic and polar, at codon 993 of the LTBP3 protein (p.Asp993Glu). This variant is not present in population databases (gnomAD no frequency). This variant has not been reported in the literature in individuals affected with LTBP3-related conditions. An algorithm developed to predict the effect of missense changes on protein structure and function (PolyPhen-2) suggests that this variant is likely to be disruptive. In summary, the available evidence is currently insufficient to determine the role of this variant in disease. Therefore, it has been classified as a Variant of Uncertain Significance.